The following is an entry in ClinVar:

NM_000709.4(BCKDHA):c.708C>T (p.Phe236=)

Gene: BCKDHA (branched chain keto acid dehydrogenase E1 subunit alpha; plus strand). Cytogenetic location: 19q13.2.
Variant type: single nucleotide variant.
Coding change: c.708C>T on transcript NM_000709.4 (MANE Select); coding-DNA position 708, C replaced by T.
Protein change: p.Phe236=; no amino-acid change (phenylalanine 236 retained).
Molecular consequence: synonymous variant.
Genome position (GRCh38, 1-based): chr19:41,422,225, C>T. VCF-style: chr19-41422225-C-T. GRCh37 (hg19) VCF-style: chr19-41928130-C-T.
Other names: c.708C>T, p.Phe236= (NM_001164783.2).
Identifiers: ClinVar variation 93369 (VCV000093369.34), dbSNP rs146932786, ClinGen allele CA221210.

ClinVar aggregate classification (germline): Conflicting classifications of pathogenicity. Review status: criteria provided, conflicting classifications (1 of 4 stars). 11 submissions from 11 submitters: Uncertain significance (2); Likely benign (7). 2 of the submissions do not count toward it. Last evaluated 2026-02-02.

Conditions:
Inborn genetic diseases. Identifiers: MedGen C0950123, MeSH D030342.
Maple syrup urine disease type 1A (MSUD1A). Also called: MSUD type 1A. Identifiers: MedGen C1855369, MONDO:0023691, OMIM 248600.
Maple syrup urine disease (MSUD). Identifiers: Orphanet 511, MedGen C0024776, MeSH D008375, MONDO:0009563. Disease mechanism: loss of function.

Allele frequency attached by ClinVar (database versions not stated): 1000 Genomes Project 30x 0.00062; 1000 Genomes Project 0.00080; TOPMed 0.00082; gnomAD exomes 0.00090 and 0.00111; gnomAD 0.00091 and 0.00092; ESP Exome Variant Server 0.00092; ExAC 0.00106.

Submissions (11):

Labcorp Genetics (formerly Invitae), Labcorp
Classification: Likely benign for Maple syrup urine disease. Last evaluated: 2026-02-02. Review status: criteria provided, single submitter. Criteria: Invitae Variant Classification Sherloc (09022015). Collection method: clinical testing. Allele origin: germline.

CeGaT Center for Human Genetics Tuebingen
Classification: Likely benign. Last evaluated: 2025-12-01. Review status: criteria provided, single submitter. Criteria: CeGaT Center For Human Genetics Tuebingen Variant Classification Criteria Version 2. Collection method: clinical testing. Allele origin: germline. Affected: yes. Observed: 1 variant allele.
Comment: BCKDHA: BP4, BP7

Blueprint Genetics
Classification: Likely benign. Last evaluated: 2024-11-27. Review status: criteria provided, single submitter. Criteria: ACMG Guidelines, 2015. Collection method: clinical testing. Allele origin: germline.

Ambry Genetics
Classification: Likely benign for Inborn genetic diseases. Last evaluated: 2023-05-27. Review status: criteria provided, single submitter. Criteria: Ambry Variant Classification Scheme 2023. Collection method: clinical testing. Allele origin: germline.

Genome-Nilou Lab
Classification: Likely benign for Maple syrup urine disease type 1A. Last evaluated: 2021-05-18. Review status: criteria provided, single submitter. Criteria: ACMG Guidelines, 2015. Collection method: clinical testing. Allele origin: germline. Affected: no.

GeneDx
Classification: Likely benign. Last evaluated: 2020-12-23. Review status: criteria provided, single submitter. Criteria: GeneDx Variant Classification Process June 2021. Collection method: clinical testing. Allele origin: germline. Affected: yes.

Illumina Laboratory Services, Illumina
Classification: Uncertain significance for Maple syrup urine disease type 1A. Last evaluated: 2018-01-13. Review status: criteria provided, single submitter. Criteria: ICSL Variant Classification Criteria 13 December 2019. Collection method: clinical testing. Allele origin: germline.

Clinical Genetics DNA and cytogenetics Diagnostics Lab, Erasmus MC, Erasmus Medical Center
Classification: Likely benign for Maple syrup urine disease type 1A. Last evaluated: 2017-06-28. Review status: criteria provided, single submitter. Criteria: ACGS Guidelines, 2013. Collection method: clinical testing. Allele origin: germline. Affected: yes. Study: VKGL Data-share Consensus.

Eurofins Ntd Llc (ga)
Classification: Uncertain significance. Last evaluated: 2013-09-03. Review status: criteria provided, single submitter. Criteria: EGL Classification Definitions 2015. Collection method: clinical testing. Allele origin: germline. Observed: 1 variant allele, 1 homozygote.

Natera, Inc.
Classification: Likely benign for Maple syrup urine disease type 1A. Last evaluated: 2020-06-04. Review status: no assertion criteria provided. Collection method: clinical testing. Allele origin: germline. Not counted in ClinVar's aggregate classification.

Clinical Genetics, Academic Medical Center
Classification: Likely benign. Review status: no assertion criteria provided. Collection method: clinical testing. Allele origin: germline. Affected: yes. Study: VKGL Data-share Consensus. Not counted in ClinVar's aggregate classification.